The following is an entry in ClinVar:

ClinVar aggregate classification (germline): Uncertain significance (1 of 4 stars; one submission).

Submission:

Labcorp Genetics (formerly Invitae), Labcorp
Classification: Uncertain significance. Last evaluated: 2025-03-17. Review status: criteria provided, single submitter. Criteria: Invitae Variant Classification Sherloc (09022015). Collection method: clinical testing. Allele origin: germline.
Comment: This sequence change replaces arginine, which is basic and polar, with tryptophan, which is neutral and slightly polar, at codon 70 of the HJV protein (p.Arg70Trp). This variant is present in population databases (rs377513689, gnomAD 0.01%). This variant has not been reported in the literature in individuals affected with HJV-related conditions. An algorithm developed to predict the effect of missense changes on protein structure and function (PolyPhen-2) suggests that this variant is likely to be disruptive. In summary, the available evidence is currently insufficient to determine the role of this variant in disease. Therefore, it has been classified as a Variant of Uncertain Significance.

NM_213653.4(HJV):c.208C>T (p.Arg70Trp)

Gene: HJV (hemojuvelin BMP co-receptor; minus strand). Cytogenetic location: 1q21.1.
Variant type: single nucleotide variant.
Coding change: c.208C>T on transcript NM_213653.4 (MANE Select); coding-DNA position 208, C replaced by T.
Protein change: p.Arg70Trp; replaces arginine 70 with tryptophan.
Molecular consequence: missense variant. On other transcripts: 5 prime UTR variant (1), intron variant (3).
Genome position (GRCh38, 1-based): chr1:146,019,624, G>A on the plus strand (C>T on the coding strand, the complement: HJV is on the minus strand). VCF-style: chr1-146019624-G-A. GRCh37 (hg19) VCF-style: chr1-145415389-C-T.
Other names: c.208C>T, p.Arg70Trp (NM_001379352.1); c.-132C>T (NM_145277.5); c.-21-924C>T (NM_213652.4); c.-22+74C>T (NM_202004.4, NM_001316767.2); short protein forms R70W.
Identifiers: ClinVar variation 4741737 (VCV004741737.1).